The following is an entry in ClinVar:

NM_201384.3(PLEC):c.4008C>T (p.Phe1336=)

Gene: PLEC (plectin; minus strand). Cytogenetic location: 8q24.3.
Variant type: single nucleotide variant.
Coding change: c.4008C>T on transcript NM_201384.3 (MANE Select); coding-DNA position 4008, C replaced by T.
Protein change: p.Phe1336=; no amino-acid change (phenylalanine 1336 retained).
Molecular consequence: synonymous variant.
Genome position (GRCh38, 1-based): chr8:143,926,820, G>A on the plus strand (C>T on the coding strand, the complement: PLEC is on the minus strand). VCF-style: chr8-143926820-G-A. GRCh37 (hg19) VCF-style: chr8-145000988-G-A.
Other names: c.4089C>T, p.Phe1363= (NM_000445.5); c.3966C>T, p.Phe1322= (NM_201378.4); c.3942C>T, p.Phe1314= (NM_201379.3); c.4419C>T, p.Phe1473= (NM_201380.4); c.3912C>T, p.Phe1304= (NM_201381.3); c.4008C>T, p.Phe1336= (NM_201382.4); c.4020C>T, p.Phe1340= (NM_201383.3).
Identifiers: ClinVar variation 1562447 (VCV001562447.33), dbSNP rs782703157, ClinGen allele CA4926812.
Genomic context (GRCh38, chr8:143,926,820, plus strand): 5'-CAGCCTCCGCCCAACGGGCTGTACCTCCTCCTCCTCCATGCGCCGCAGAGTCTCGCTGAT[G>A]AACTTGATGTACTGGCTCGTCAGTGTGGTCAGCTCGCTGTAGTGCGTACGCAGGTCCACG-3'
Protein context (NP_958786.1, residues 1326-1346): LTTLTSQYIK[Phe1336=]ISETLRRMEE

ClinVar aggregate classification (germline): Likely benign. Review status: criteria provided, multiple submitters, no conflicts (2 of 4 stars). 3 submissions from 3 submitters: Likely benign (3). Last evaluated 2024-10-18.

Conditions:
Autosomal recessive limb-girdle muscular dystrophy type 2Q (LGMDR17). Also called: MUSCULAR DYSTROPHY, LIMB-GIRDLE, AUTOSOMAL RECESSIVE 17. Identifiers: Orphanet 254361, MedGen C3150989, MONDO:0013390, OMIM 613723.
Epidermolysis bullosa simplex 5C, with pyloric atresia (EBS5C). Also called: PLEC-Related Epidermolysis Bullosa with Pyloric Atresia; Epidermolysis bullosa simplex with pyloric atresia; PLEC1-Related Epidermolysis Bullosa with Pyloric Atresia. Identifiers: Orphanet 158684, MedGen C2677349, MONDO:0012807, OMIM 612138.
Epidermolysis bullosa simplex, Ogna type (EBS5A). Also called: Pidermolysis bullosa simplex 5A, Ogna type; EPIDERMOLYSIS BULLOSA SIMPLEX 5A, OGNA TYPE. Identifiers: Orphanet 79401, MedGen C0432317, MONDO:0007555, OMIM 131950.
Epidermolysis bullosa simplex with nail dystrophy (EBS5D). Identifiers: MedGen C4225309, MONDO:0014661, OMIM 616487.
Epidermolysis bullosa simplex 5B, with muscular dystrophy (EBS5B). Also called: Epidermolysis bullosa simplex with muscular dystrophy; EPIDERMOLYSIS BULLOSA SIMPLEX AND LIMB-GIRDLE MUSCULAR DYSTROPHY. Identifiers: Orphanet 257, MedGen C2931072, MONDO:0009181, OMIM 226670.

Allele frequency attached by ClinVar (database versions not stated): gnomAD 0.00001 and 0.00002; ExAC 0.00002; gnomAD exomes 0.00002.
gnomAD v4.1: 19 of 1,613,926 alleles (0.0012%); highest among the groups gnomAD compares: Admixed American, 0.0033%; no homozygotes.

Submissions (3):

Blueprint Genetics
Classification: Likely benign. Last evaluated: 2024-10-18. Review status: criteria provided, single submitter. Criteria: ACMG Guidelines, 2015. Collection method: clinical testing. Allele origin: germline.

Labcorp Genetics (formerly Invitae), Labcorp
Classification: Likely benign for Autosomal recessive limb-girdle muscular dystrophy type 2Q; Epidermolysis bullosa simplex, Ogna type; Epidermolysis bullosa simplex with nail dystrophy; Epidermolysis bullosa simplex 5C, with pyloric atresia; Epidermolysis bullosa simplex 5B, with muscular dystrophy. Last evaluated: 2023-11-13. Review status: criteria provided, single submitter. Criteria: Invitae Variant Classification Sherloc (09022015). Collection method: clinical testing. Allele origin: germline.

CeGaT Center for Human Genetics Tuebingen
Classification: Likely benign. Last evaluated: 2023-10-01. Review status: criteria provided, single submitter. Criteria: CeGaT Center For Human Genetics Tuebingen Variant Classification Criteria Version 2. Collection method: clinical testing. Allele origin: germline. Affected: yes. Observed: 1 variant allele.
Comment: PLEC: BP4